The following is an entry in ClinVar:

ClinVar aggregate classification (germline): Uncertain significance (1 of 4 stars; one submission).

Conditions:
EPILEPSY, CHILDHOOD ABSENCE, SUSCEPTIBILITY TO, 2 (ECA2). Identifiers: Orphanet 64280, MedGen C1843244, OMIM 607681.
Febrile seizures, familial, 8 (FEB8). Also called: CONVULSIONS, FAMILIAL FEBRILE, 8. Identifiers: Orphanet 36387, MedGen C1969810, MONDO:0011891, OMIM 607681.

Allele frequency attached by ClinVar (database versions not stated): gnomAD exomes below 0.00001; ExAC 0.00001; gnomAD 0.00001; TOPMed 0.00002.
gnomAD v4.1: 1 of 1,613,928 alleles (0.000062%); highest among the groups gnomAD compares: African/African-American, 0.0013%; no homozygotes.

Submission:

Labcorp Genetics (formerly Invitae), Labcorp
Classification: Uncertain significance for Febrile seizures, familial, 8; EPILEPSY, CHILDHOOD ABSENCE, SUSCEPTIBILITY TO, 2. Last evaluated: 2025-09-08. Review status: criteria provided, single submitter. Criteria: Invitae Variant Classification Sherloc (09022015). Collection method: clinical testing. Allele origin: germline.
Comment: This sequence change replaces arginine, which is basic and polar, with serine, which is neutral and polar, at codon 385 of the GABRG2 protein (p.Arg385Ser). This variant is present in population databases (rs770952397, gnomAD no frequency). This variant has not been reported in the literature in individuals affected with GABRG2-related conditions. ClinVar contains an entry for this variant (Variation ID: 1043692). Invitae Evidence Modeling of protein sequence and biophysical properties (such as structural, functional, and spatial information, amino acid conservation, physicochemical variation, residue mobility, and thermodynamic stability) indicates that this missense variant is not expected to disrupt GABRG2 protein function with a negative predictive value of 95%. In summary, the available evidence is currently insufficient to determine the role of this variant in disease. Therefore, it has been classified as a Variant of Uncertain Significance.

NM_198904.4(GABRG2):c.1179A>T (p.Arg393Ser)

Gene: GABRG2 (gamma-aminobutyric acid type A receptor subunit gamma2; plus strand). Cytogenetic location: 5q34.
Variant type: single nucleotide variant.
Coding change: c.1179A>T on transcript NM_198904.4 (MANE Select); coding-DNA position 1179, A replaced by T.
Protein change: p.Arg393Ser; replaces arginine 393 with serine.
Molecular consequence: missense variant. On other transcripts: 3 prime UTR variant (1).
Genome position (GRCh38, 1-based): chr5:162,153,119, A>T. VCF-style: chr5-162153119-A-T. GRCh37 (hg19) VCF-style: chr5-161580125-A-T.
Other names: c.1155A>T, p.Arg385Ser (NM_000816.3); c.1170A>T, p.Arg390Ser (NM_001375339.1); c.*13A>T (NM_001375340.1); c.1176A>T, p.Arg392Ser (NM_001375341.1); c.1152A>T, p.Arg384Ser (NM_001375342.1); c.1275A>T, p.Arg425Ser (NM_001375343.1); c.1218A>T, p.Arg406Ser (NM_001375344.1); c.1089A>T, p.Arg363Ser (NM_001375345.1); and 6 more; short protein forms R433S, R290S, R364S, R371S, R384S, R406S, R253S, R363S.
Identifiers: ClinVar variation 1043692 (VCV001043692.9), dbSNP rs770952397, ClinGen allele CA3544971.
Genomic context (GRCh38, chr5:162,153,119, plus strand): 5'-AACTGATCCCTCTCCTTCCCTACCCTCGTCCCAGGCCCCTACCATTGATATCCGCCCAAG[A>T]TCAGCAACCATTCAAATGAATAATGCTACACACCTTCAAGAGAGAGATGAAGAGTACGGC-3'
Protein context (NP_944494.1, residues 383-403): FKAPTIDIRP[Arg393Ser]SATIQMNNAT